The following is an entry in ClinVar:

ClinVar aggregate classification (germline): Uncertain significance (1 of 4 stars; one submission).

Submission:

GeneDx
Classification: Uncertain significance. Last evaluated: 2023-05-30. Review status: criteria provided, single submitter. Criteria: GeneDx Variant Classification Process June 2021. Collection method: clinical testing. Allele origin: germline. Affected: yes.
Comment: Not observed at significant frequency in large population cohorts (gnomAD); Missense variants in this gene are often considered pathogenic (HGMD); In silico analysis supports that this missense variant has a deleterious effect on protein structure/function; Has not been previously published as pathogenic or benign to our knowledge

NM_002880.4(RAF1):c.1660C>G (p.Arg554Gly)

Gene: RAF1 (Raf-1 proto-oncogene, serine/threonine kinase; minus strand). Cytogenetic location: 3p25.2.
Variant type: single nucleotide variant.
Coding change: c.1660C>G on transcript NM_002880.4 (MANE Select); coding-DNA position 1660, C replaced by G.
Protein change: p.Arg554Gly; replaces arginine 554 with glycine.
Molecular consequence: missense variant. On other transcripts: non-coding transcript variant (3).
Genome position (GRCh38, 1-based): chr3:12,585,130, G>C on the plus strand (C>G on the coding strand, the complement: RAF1 is on the minus strand). VCF-style: chr3-12585130-G-C. GRCh37 (hg19) VCF-style: chr3-12626629-G-C.
Other names: c.1720C>G, p.Arg574Gly (NM_001354689.3); c.1660C>G, p.Arg554Gly (NM_001354690.3); c.1417C>G, p.Arg473Gly (NM_001354691.3, NM_001354692.3); c.1561C>G, p.Arg521Gly (NM_001354693.3); c.1477C>G, p.Arg493Gly (NM_001354694.3); c.1318C>G, p.Arg440Gly (NM_001354695.3); short protein forms R440G, R473G, R493G, R521G, R554G, R574G.
Identifiers: ClinVar variation 3359310 (VCV003359310.1).